The following is an entry in ClinVar:

ClinVar aggregate classification (germline): Uncertain significance (1 of 4 stars; one submission).

Submission:

GeneDx
Classification: Uncertain significance. Last evaluated: 2024-07-22. Review status: criteria provided, single submitter. Criteria: GeneDx Variant Classification Process June 2021. Collection method: clinical testing. Allele origin: germline. Affected: yes.
Comment: Not observed at significant frequency in large population cohorts (gnomAD); In silico analysis indicates that this missense variant does not alter protein structure/function; Has not been previously published as pathogenic or benign to our knowledge

NM_001020658.2(PUM1):c.1144A>C (p.Asn382His)

Gene: PUM1 (pumilio RNA binding family member 1; minus strand). Cytogenetic location: 1p35.2.
Variant type: single nucleotide variant.
Coding change: c.1144A>C on transcript NM_001020658.2 (MANE Select); coding-DNA position 1144, A replaced by C.
Protein change: p.Asn382His; replaces asparagine 382 with histidine.
Molecular consequence: missense variant.
Genome position (GRCh38, 1-based): chr1:30,992,404, T>G on the plus strand (A>C on the coding strand, the complement: PUM1 is on the minus strand). VCF-style: chr1-30992404-T-G. GRCh37 (hg19) VCF-style: chr1-31465251-T-G.
Other names: c.1144A>C, p.Asn382His (NM_014676.3); short protein forms N382H.
Identifiers: ClinVar variation 3600718 (VCV003600718.1).